The following is an entry in ClinVar:

NM_052867.4(NALCN):c.3909C>T (p.Gly1303=)

Gene: NALCN (sodium leak channel, non-selective; minus strand). Cytogenetic location: 13q32.3.
Variant type: single nucleotide variant.
Coding change: c.3909C>T on transcript NM_052867.4 (MANE Select); coding-DNA position 3909, C replaced by T.
Protein change: p.Gly1303=; no amino-acid change (glycine 1303 retained).
Molecular consequence: synonymous variant.
Genome position (GRCh38, 1-based): chr13:101,075,918, G>A on the plus strand (C>T on the coding strand, the complement: NALCN is on the minus strand). VCF-style: chr13-101075918-G-A. GRCh37 (hg19) VCF-style: chr13-101728269-G-A.
Other names: c.3996C>T, p.Gly1332= (NM_001350748.2); c.3909C>T, p.Gly1303= (NM_001350749.2); c.3822C>T, p.Gly1274= (NM_001350750.2, NM_001350751.2).
Identifiers: ClinVar variation 3021349 (VCV003021349.3), dbSNP rs143218624, ClinGen allele CA255403573.
Genomic context (GRCh38, chr13:101,075,918, plus strand): 5'-TAACAATGTACTTACATGTTTTCCACAGATGGAGAAAAACCTAAATACAATCACACAAGC[G>A]CCCATCATGTAAGTATATGCATTCTGAAATTTAAACAGAAGACAGCTTCTCATAATTTGC-3'
Protein context (NP_443099.1, residues 1293-1313): ALLNAYTYMM[Gly1303=]ACVIVFRFFS

ClinVar aggregate classification (germline): Uncertain significance (1 of 4 stars; one submission).

Allele frequency attached by ClinVar (database versions not stated): TOPMed 0.00001.
gnomAD v4.1: 14 of 1,609,552 alleles (0.00087%); highest among the groups gnomAD compares: East Asian, 0.009%; no homozygotes.

Submission:

Labcorp Genetics (formerly Invitae), Labcorp
Classification: Uncertain significance. Last evaluated: 2026-01-05. Review status: criteria provided, single submitter. Criteria: Invitae Variant Classification Sherloc (09022015). Collection method: clinical testing. Allele origin: germline.
Comment: This sequence change affects codon 1303 of the NALCN mRNA. It is a 'silent' change, meaning that it does not change the encoded amino acid sequence of the NALCN protein. The frequency data for this variant in the population databases is considered unreliable, as metrics indicate poor data quality at this position in the gnomAD database. This variant has not been reported in the literature in individuals affected with NALCN-related conditions. ClinVar contains an entry for this variant (Variation ID: 3021349). Algorithms developed to predict the effect of sequence changes on RNA splicing suggest that this variant may disrupt the consensus splice site. In summary, the available evidence is currently insufficient to determine the role of this variant in disease. Therefore, it has been classified as a Variant of Uncertain Significance.